The following is an entry in ClinVar:

NM_004698.4(PRPF3):c.1224AGA[1] (p.Glu409del)

Gene: PRPF3 (pre-mRNA processing factor 3; plus strand). Cytogenetic location: 1q21.2.
Variant type: Microsatellite.
Coding change: c.1224AGA[1] on transcript NM_004698.4 (MANE Select); one copy of the 3-base unit AGA starting at c.1224; the reference has two copies in a row; one copy, 3 bases deleted; also written c.1227_1229del.
Protein change: p.Glu409del; deletes glutamic acid 409.
Molecular consequence: inframe deletion. On other transcripts: non-coding transcript variant (4).
Genome position (GRCh38, 1-based): chr1:150,340,422-150,340,424, AGA deleted; deleting any 3 consecutive bases within chr1:150,340,419-150,340,424 gives the same sequence; the position shown is the placement nearest the transcript's 3' end. VCF-style (leftmost placement, unchanged base first): chr1-150340418-GAGA-G. GRCh37 (hg19) VCF-style: chr1-150312894-GAGA-G.
Other names: c.819AGA[1], p.Glu274del (NM_001350529.1); c.1227_1229del (NM_004698.4); short protein forms E274del, E409del.
Identifiers: ClinVar variation 1327586 (VCV001327586.4), dbSNP rs1657568113, ClinGen allele CA2479114993.

ClinVar aggregate classification (germline): Uncertain significance. Review status: criteria provided, multiple submitters, no conflicts (2 of 4 stars). 2 submissions from 2 submitters: Uncertain significance (2). Last evaluated 2025-03-12.

Conditions:
Retinitis pigmentosa 18 (RP18). Also called: PRPF 3-Related Retinitis Pigmentosa. Identifiers: Orphanet 791, MedGen C1832378, MONDO:0011075, OMIM 601414.

Submissions (2):

Labcorp Genetics (formerly Invitae), Labcorp
Classification: Uncertain significance. Last evaluated: 2025-03-12. Review status: criteria provided, single submitter. Criteria: Invitae Variant Classification Sherloc (09022015). Collection method: clinical testing. Allele origin: germline.
Comment: This variant, c.1227_1229del, results in the deletion of 1 amino acid(s) of the PRPF3 protein (p.Glu409del), but otherwise preserves the integrity of the reading frame. This variant is not present in population databases (gnomAD no frequency). This variant has not been reported in the literature in individuals affected with PRPF3-related conditions. Experimental studies and prediction algorithms are not available or were not evaluated, and the functional significance of this variant is currently unknown. In summary, the available evidence is currently insufficient to determine the role of this variant in disease. Therefore, it has been classified as a Variant of Uncertain Significance.

Institute of Human Genetics, University of Goettingen
Classification: Uncertain significance for Retinitis pigmentosa 18. Last evaluated: 2021-12-14. Review status: criteria provided, single submitter. Criteria: ACMG Guidelines, 2015. Collection method: clinical testing. Allele origin: unknown. Inheritance: Autosomal dominant inheritance. Observed: 1 heterozygote.
Comment: The variant c.1227_1229del p.(Glu409del) in exon 9 of the PRPF3 gene is not found in the gnomAD database and leads to the loss of the amino acid residue Glu409. ACMG criteria used for classification: PM2,PM4.